The following is an entry in ClinVar:

NM_003200.5(TCF3):c.310G>T (p.Glu104Ter)

Gene: TCF3 (transcription factor 3; minus strand). Cytogenetic location: 19p13.3.
Variant type: single nucleotide variant.
Coding change: c.310G>T on transcript NM_003200.5 (MANE Select); coding-DNA position 310, G replaced by T.
Protein change: p.Glu104Ter; replaces glutamic acid 104 with a stop codon.
Molecular consequence: nonsense.
Genome position (GRCh38, 1-based): chr19:1,627,415, C>A on the plus strand (G>T on the coding strand, the complement: TCF3 is on the minus strand). VCF-style: chr19-1627415-C-A. GRCh37 (hg19) VCF-style: chr19-1627414-C-A.
Other names: c.310G>T, p.Glu104Ter (NM_001136139.4, NM_001351778.2, NM_001351779.2); short protein forms E104*.
Identifiers: ClinVar variation 2029431 (VCV002029431.4), dbSNP rs2513937989, ClinGen allele CA403057422.

ClinVar aggregate classification (germline): Pathogenic (1 of 4 stars; one submission).

Submission:

Labcorp Genetics (formerly Invitae), Labcorp
Classification: Pathogenic. Last evaluated: 2024-08-14. Review status: criteria provided, single submitter. Criteria: Invitae Variant Classification Sherloc (09022015). Collection method: clinical testing. Allele origin: germline.
Comment: This sequence change creates a premature translational stop signal (p.Glu104*) in the TCF3 gene. It is expected to result in an absent or disrupted protein product. Loss-of-function variants in TCF3 are known to be pathogenic (PMID: 24216514, 30063982, 37277074). This variant is not present in population databases (gnomAD no frequency). This variant has not been reported in the literature in individuals affected with TCF3-related conditions. ClinVar contains an entry for this variant (Variation ID: 2029431). For these reasons, this variant has been classified as Pathogenic.

Literature cited by the submitters: PubMed 24216514; PubMed 30063982; PubMed 37277074.